The following is an entry in ClinVar:

NM_005901.6(SMAD2):c.74C>T (p.Ser25Phe)

Gene: SMAD2 (SMAD family member 2; minus strand). Cytogenetic location: 18q21.1.
Variant type: single nucleotide variant.
Coding change: c.74C>T on transcript NM_005901.6 (MANE Select); coding-DNA position 74, C replaced by T.
Protein change: p.Ser25Phe; replaces serine 25 with phenylalanine.
Molecular consequence: missense variant.
Genome position (GRCh38, 1-based): chr18:47,896,683, G>A on the plus strand (C>T on the coding strand, the complement: SMAD2 is on the minus strand). VCF-style: chr18-47896683-G-A. GRCh37 (hg19) VCF-style: chr18-45423054-G-A.
Other names: c.74C>T, p.Ser25Phe (NM_001003652.4, NM_001135937.3); short protein forms S25F.
Identifiers: ClinVar variation 4777681 (VCV004777681.1).

ClinVar aggregate classification (germline): Uncertain significance (1 of 4 stars; one submission).

gnomAD v4.1: 1 of 1,614,014 alleles (0.000062%); highest among the groups gnomAD compares: African/African-American, 0.0013%; no homozygotes.

Submission:

Labcorp Genetics (formerly Invitae), Labcorp
Classification: Uncertain significance. Last evaluated: 2025-05-12. Review status: criteria provided, single submitter. Criteria: Invitae Variant Classification Sherloc (09022015). Collection method: clinical testing. Allele origin: germline.
Comment: This sequence change replaces serine, which is neutral and polar, with phenylalanine, which is neutral and non-polar, at codon 25 of the SMAD2 protein (p.Ser25Phe). This variant is not present in population databases (gnomAD no frequency). This variant has not been reported in the literature in individuals affected with SMAD2-related conditions. Invitae Evidence Modeling of protein sequence and biophysical properties (such as structural, functional, and spatial information, amino acid conservation, physicochemical variation, residue mobility, and thermodynamic stability) indicates that this missense variant is not expected to disrupt SMAD2 protein function with a negative predictive value of 95%. In summary, the available evidence is currently insufficient to determine the role of this variant in disease. Therefore, it has been classified as a Variant of Uncertain Significance.